The following is an entry in ClinVar:

NM_004787.4(SLIT2):c.3316T>C (p.Tyr1106His)

Gene: SLIT2 (slit guidance ligand 2; plus strand). Cytogenetic location: 4p15.31.
Variant type: single nucleotide variant.
Coding change: c.3316T>C on transcript NM_004787.4 (MANE Select); coding-DNA position 3316, T replaced by C.
Protein change: p.Tyr1106His; replaces tyrosine 1106 with histidine.
Molecular consequence: missense variant.
Genome position (GRCh38, 1-based): chr4:20,595,830, T>C. VCF-style: chr4-20595830-T-C. GRCh37 (hg19) VCF-style: chr4-20597453-T-C.
Other names: c.3316T>C (NM_004787.1); c.3304T>C, p.Tyr1102His (NM_001289135.3); c.3292T>C, p.Tyr1098His (NM_001289136.3); short protein forms Y1102H, Y1106H, Y1098H.
Identifiers: ClinVar variation 2043878 (VCV002043878.5), dbSNP rs142112521, ClinGen allele CA2872143.

ClinVar aggregate classification (germline): Uncertain significance. Review status: criteria provided, multiple submitters, no conflicts (2 of 4 stars). 2 submissions from 2 submitters: Uncertain significance (2). Last evaluated 2025-11-13.

Allele frequency attached by ClinVar (database versions not stated): gnomAD exomes 0.00002; ExAC 0.00007; gnomAD 0.00027; TOPMed 0.00035; ESP Exome Variant Server 0.00046.
gnomAD v4.1: 70 of 1,613,278 alleles (0.0043%); highest among the groups gnomAD compares: African/African-American, 0.087%; no homozygotes.

Submissions (2):

Ambry Genetics
Classification: Uncertain significance. Last evaluated: 2025-11-13. Review status: criteria provided, single submitter. Criteria: Ambry Variant Classification Scheme 2023. Collection method: clinical testing. Allele origin: germline.

Labcorp Genetics (formerly Invitae), Labcorp
Classification: Uncertain significance. Last evaluated: 2025-06-12. Review status: criteria provided, single submitter. Criteria: Invitae Variant Classification Sherloc (09022015). Collection method: clinical testing. Allele origin: germline.
Comment: This sequence change replaces tyrosine, which is neutral and polar, with histidine, which is basic and polar, at codon 1106 of the SLIT2 protein (p.Tyr1106His). This variant is present in population databases (rs142112521, gnomAD 0.07%), and has an allele count higher than expected for a pathogenic variant. This variant has not been reported in the literature in individuals affected with SLIT2-related conditions. ClinVar contains an entry for this variant (Variation ID: 2043878). An algorithm developed to predict the effect of missense changes on protein structure and function (PolyPhen-2) suggests that this variant is likely to be disruptive. In summary, the available evidence is currently insufficient to determine the role of this variant in disease. Therefore, it has been classified as a Variant of Uncertain Significance.